The following is an entry in ClinVar:

NM_001267550.2(TTN):c.90638T>C (p.Ile30213Thr)

Genes: TTN (titin; minus strand), TTN-AS1 (TTN antisense RNA 1; plus strand). Cytogenetic location: 2q31.2.
Variant type: single nucleotide variant.
Coding change: c.90638T>C on transcript NM_001267550.2 (MANE Select); coding-DNA position 90638, T replaced by C.
Protein change: p.Ile30213Thr; replaces isoleucine 30213 with threonine.
Molecular consequence: missense variant.
Genome position (GRCh38, 1-based): chr2:178,552,262, A>G on the plus strand (T>C on the coding strand, the complement: TTN is on the minus strand). VCF-style: chr2-178552262-A-G. GRCh37 (hg19) VCF-style: chr2-179416989-A-G.
Other names: p.Ile28572Thr; c.85715T>C, p.Ile28572Thr (NM_001256850.1); c.63443T>C, p.Ile21148Thr (NM_003319.4); c.82934T>C, p.Ile27645Thr (NM_133378.4); c.63818T>C, p.Ile21273Thr (NM_133432.3); c.64019T>C, p.Ile21340Thr (NM_133437.4); short protein forms I30213T, I27645T, I28572T, I21340T, I21273T, I21148T.
Identifiers: ClinVar variation 130683 (VCV000130683.49), dbSNP rs114026724, ClinGen allele CA211182.

ClinVar aggregate classification (germline): Benign/Likely benign. Review status: criteria provided, multiple submitters, no conflicts (2 of 4 stars). 27 submissions from 20 submitters: Benign (18); Likely benign (4). 5 of the submissions do not count toward it. Last evaluated 2026-02-04.

Conditions:
TTN-related disorder. Also called: TTN-related disorders; TTN-related condition; TTN-related disease.
Cardiovascular phenotype. Identifiers: MedGen CN230736.
Dilated cardiomyopathy 1G (CMD1G). Identifiers: Orphanet 154, MedGen C1858763, MONDO:0011400, OMIM 604145.
Autosomal recessive limb-girdle muscular dystrophy type 2J (LGMDR10). Also called: Limb-girdle muscular dystrophy, type 2J; MUSCULAR DYSTROPHY, LIMB-GIRDLE, AUTOSOMAL RECESSIVE 10. Identifiers: Orphanet 140922, MedGen C1837342, MONDO:0012127, OMIM 608807.
Arrhythmogenic right ventricular cardiomyopathy (ARVD). Also called: Cardiomyopathy, ARVC; Arrhythmogenic Right Ventricular Cardiomyopathy (ARVC); Arrhythmogenic cardiomyopathy; Arrhythmogenic right ventricular dysplasia. Identifiers: Orphanet 247, MedGen C0349788, MeSH D019571, MONDO:0016587. Disease mechanism: loss of function. Inheritance: Various modes of inheritance.
Cardiomyopathy (CMYO). Also called: Cardiomyopathies. Identifiers: Orphanet 167848, MedGen C0878544, MONDO:0004994, HP:0001638. Inheritance: Various modes of inheritance.
Early-onset myopathy with fatal cardiomyopathy (CMYO5). Also called: Salih Myopathy; CONGENITAL MYOPATHY 5 WITH CARDIOMYOPATHY. Identifiers: Orphanet 289377, MedGen C2673677, MONDO:0012714, OMIM 611705. Disease mechanism: loss of function.
Tibial muscular dystrophy (TMD). Also called: UDD MYOPATHY; Tibial muscular dystrophy, tardive; Udd Distal Myopathy – Tibial Muscular Dystrophy. Identifiers: Orphanet 609, MedGen C1838244, MONDO:0010870, OMIM 600334.
Myopathy, myofibrillar, 9, with early respiratory failure (MFM9). Also called: Hereditary myopathy with early respiratory failure; MYOPATHY, PROXIMAL, WITH EARLY RESPIRATORY MUSCLE INVOLVEMENT; Myopathy, distal, with early respiratory failure, autosomal dominant; EDSTROM MYOPATHY. Identifiers: Orphanet 178464, Orphanet 34521, MedGen C1863599, MONDO:0011362, OMIM 603689.

Allele frequency attached by ClinVar (database versions not stated): TOPMed 0.00614; ExAC 0.00194; gnomAD 0.00561 and 0.00598; gnomAD exomes 0.00151 and 0.00053; ESP Exome Variant Server 0.00622; 1000 Genomes Project 0.00659; 1000 Genomes Project 30x 0.00781.
gnomAD v4.1: 1,675 of 1,613,474 alleles (0.1%); highest among the groups gnomAD compares: African/African-American, 1.9%; 18 homozygotes.

Submissions 1 to 16 of 27:

Labcorp Genetics (formerly Invitae), Labcorp
Classification: Benign for Dilated cardiomyopathy 1G; Autosomal recessive limb-girdle muscular dystrophy type 2J. Last evaluated: 2026-02-04. Review status: criteria provided, single submitter. Criteria: Invitae Variant Classification Sherloc (09022015). Collection method: clinical testing. Allele origin: germline.

ARUP Laboratories, Molecular Genetics and Genomics, ARUP Laboratories
Classification: Benign. Last evaluated: 2025-07-08. Review status: criteria provided, single submitter. Criteria: ARUP Molecular Germline Variant Investigation Process 2024. Collection method: clinical testing. Allele origin: germline.

Molecular Diagnostic Laboratory for Inherited Cardiovascular Disease, Montreal Heart Institute
Classification: Benign. Last evaluated: 2025-04-09. Review status: criteria provided, single submitter. Criteria: ACMG Guidelines, 2015. Collection method: clinical testing. Allele origin: germline. Affected: no.

Blueprint Genetics
Classification: Benign. Last evaluated: 2024-11-14. Review status: criteria provided, single submitter. Criteria: ACMG Guidelines, 2015. Collection method: clinical testing. Allele origin: germline.

Genetic Services Laboratory, University of Chicago
Classification: Benign. Last evaluated: 2021-11-21. Review status: criteria provided, single submitter. Criteria: ACMG Guidelines, 2015. Collection method: clinical testing. Allele origin: germline. Affected: no.

Genome-Nilou Lab
Classification: Benign for Autosomal recessive limb-girdle muscular dystrophy type 2J. Last evaluated: 2021-09-10. Review status: criteria provided, single submitter. Criteria: ACMG Guidelines, 2015. Collection method: clinical testing. Allele origin: germline. Affected: no.

Genome-Nilou Lab
Classification: Benign for Myopathy, myofibrillar, 9, with early respiratory failure. Last evaluated: 2021-09-10. Review status: criteria provided, single submitter. Criteria: ACMG Guidelines, 2015. Collection method: clinical testing. Allele origin: germline. Affected: no.

Genome-Nilou Lab
Classification: Benign for Early-onset myopathy with fatal cardiomyopathy. Last evaluated: 2021-09-10. Review status: criteria provided, single submitter. Criteria: ACMG Guidelines, 2015. Collection method: clinical testing. Allele origin: germline. Affected: no.

Genome-Nilou Lab
Classification: Benign for Tibial muscular dystrophy. Last evaluated: 2021-09-10. Review status: criteria provided, single submitter. Criteria: ACMG Guidelines, 2015. Collection method: clinical testing. Allele origin: germline. Affected: no.

Women's Health and Genetics/Laboratory Corporation of America, LabCorp
Classification: Benign. Last evaluated: 2019-11-06. Review status: criteria provided, single submitter. Criteria: LabCorp Variant Classification Summary - May 2015. Collection method: clinical testing. Allele origin: germline.
Comment: Variant summary: TTN c.82934T>C (p.Ile27645Thr) results in a non-conservative amino acid change located in the A-band domain of the encoded protein sequence. Four of five in-silico tools predict a benign effect of the variant on protein function. The variant allele was found at a frequency of 0.0015 in 248074 control chromosomes, predominantly at a frequency of 0.022 within the African or African-American subpopulation in the gnomAD database, including 5 homozygotes. The observed variant frequency within African or African-American control individuals in the gnomAD database is approximately 35-folds over the estimated maximal expected allele frequency for a pathogenic variant in TTN causing Cardiomyopathy phenotype (0.00063), strongly suggesting that the variant is a benign polymorphism found primarily in populations of African or African-American origin. To our knowledge, no occurrence of c.82934T>C in individuals affected with Cardiomyopathy and no experimental evidence demonstrating its impact on protein function have been reported. A co-occurrence with another pathogenic variant has been internally reported (TTR c.424G>A, p.V142I), providing supporting evidence for a benign role. Three ClinVar submitters (evaluation after 2014) cite the variant as benign. Based on the evidence outlined above, the variant was classified as benign.

Illumina Laboratory Services, Illumina
Classification: Benign for Myopathy, myofibrillar, 9, with early respiratory failure. Last evaluated: 2018-01-13. Review status: criteria provided, single submitter. Criteria: ICSL Variant Classification Criteria 13 December 2019. Collection method: clinical testing. Allele origin: germline.
Comment: This variant was observed in the ICSL laboratory as part of a predisposition screen in an ostensibly healthy population. It had not been previously curated by ICSL or reported in the Human Gene Mutation Database (HGMD: prior to June 1st, 2018), and was therefore a candidate for classification through an automated scoring system. Utilizing variant allele frequency, disease prevalence and penetrance estimates, and inheritance mode, an automated score was calculated to assess if this variant is too frequent to cause the disease. Based on the score and internal cut-off values, a variant classified as benign is not then subjected to further curation. The score for this variant resulted in a classification of benign for this disease.

Illumina Laboratory Services, Illumina
Classification: Likely benign for Autosomal recessive limb-girdle muscular dystrophy type 2J. Last evaluated: 2018-01-13. Review status: criteria provided, single submitter. Criteria: ICSL Variant Classification Criteria 13 December 2019. Collection method: clinical testing. Allele origin: germline.
Comment: This variant was observed in the ICSL laboratory as part of a predisposition screen in an ostensibly healthy population. It had not been previously curated by ICSL or reported in the Human Gene Mutation Database (HGMD: prior to June 1st, 2018), and was therefore a candidate for classification through an automated scoring system. Utilizing variant allele frequency, disease prevalence and penetrance estimates, and inheritance mode, an automated score was calculated to assess if this variant is too frequent to cause the disease. Based on the score and internal cut-off values, a variant classified as likely benign is not then subjected to further curation. The score for this variant resulted in a classification of likely benign for this disease.

Illumina Laboratory Services, Illumina
Classification: Likely benign for Dilated cardiomyopathy 1G. Last evaluated: 2018-01-13. Review status: criteria provided, single submitter. Criteria: ICSL Variant Classification Criteria 13 December 2019. Collection method: clinical testing. Allele origin: germline.
Comment: the same text as in the submission from Illumina Laboratory Services, Illumina above.

Illumina Laboratory Services, Illumina
Classification: Benign for Tibial muscular dystrophy. Last evaluated: 2018-01-13. Review status: criteria provided, single submitter. Criteria: ICSL Variant Classification Criteria 13 December 2019. Collection method: clinical testing. Allele origin: germline.
Comment: the same text as in the submission from Illumina Laboratory Services, Illumina above.

Illumina Laboratory Services, Illumina
Classification: Likely benign for Early-onset myopathy with fatal cardiomyopathy. Last evaluated: 2018-01-13. Review status: criteria provided, single submitter. Criteria: ICSL Variant Classification Criteria 13 December 2019. Collection method: clinical testing. Allele origin: germline.
Comment: the same text as in the submission from Illumina Laboratory Services, Illumina above.

Center for Advanced Laboratory Medicine, UC San Diego Health, University of California San Diego
Classification: Benign for Arrhythmogenic right ventricular cardiomyopathy. Last evaluated: 2018-01-03. Review status: criteria provided, single submitter. Criteria: ACMG Guidelines, 2015. Collection method: clinical testing. Allele origin: germline. Affected: yes. Observed: 2 variant alleles.